The following is an entry in ClinVar:

ClinVar aggregate classification (germline): Uncertain significance. Review status: criteria provided, multiple submitters, no conflicts (2 of 4 stars). 2 submissions from 2 submitters: Uncertain significance (2). Last evaluated 2025-07-30.

Conditions:
Coronary artery disease, autosomal dominant 2 (ADCAD2). Identifiers: MedGen C1970440, MONDO:0012586, OMIM 610947.
Tooth agenesis, selective, 7 (STHAG7). Identifiers: Orphanet 99798, MedGen C4225231, MONDO:0014749, OMIM 616724.

Allele frequency attached by ClinVar (database versions not stated): ESP Exome Variant Server 0.00023; ExAC 0.00006; gnomAD exomes 0.00008; TOPMed 0.00010; gnomAD 0.00011.
gnomAD v4.1: 144 of 1,614,010 alleles (0.0089%); highest among the groups gnomAD compares: Admixed American, 0.018%; no homozygotes.

Submissions (2):

Labcorp Genetics (formerly Invitae), Labcorp
Classification: Uncertain significance. Last evaluated: 2025-07-30. Review status: criteria provided, single submitter. Criteria: Invitae Variant Classification Sherloc (09022015). Collection method: clinical testing. Allele origin: germline.
Comment: This sequence change replaces asparagine, which is neutral and polar, with serine, which is neutral and polar, at codon 1036 of the LRP6 protein (p.Asn1036Ser). This variant is present in population databases (rs143873199, gnomAD 0.01%). This variant has not been reported in the literature in individuals affected with LRP6-related conditions. ClinVar contains an entry for this variant (Variation ID: 2056656). Invitae Evidence Modeling of protein sequence and biophysical properties (such as structural, functional, and spatial information, amino acid conservation, physicochemical variation, residue mobility, and thermodynamic stability) has been performed for this missense variant. However, the output from this modeling did not meet the statistical confidence thresholds required to predict the impact of this variant on LRP6 protein function. In summary, the available evidence is currently insufficient to determine the role of this variant in disease. Therefore, it has been classified as a Variant of Uncertain Significance.

Department of Pathology and Laboratory Medicine, Sinai Health System
Classification: Uncertain significance for Coronary artery disease, autosomal dominant 2; Tooth agenesis, selective, 7. Last evaluated: 2023-06-08. Review status: criteria provided, single submitter. Criteria: ACMG Guidelines, 2015. Collection method: research. Allele origin: germline.

NM_002336.3(LRP6):c.3107A>G (p.Asn1036Ser)

Gene: LRP6 (LDL receptor related protein 6; minus strand). Cytogenetic location: 12p13.2.
Variant type: single nucleotide variant.
Coding change: c.3107A>G on transcript NM_002336.3 (MANE Select); coding-DNA position 3107, A replaced by G.
Protein change: p.Asn1036Ser; replaces asparagine 1036 with serine.
Molecular consequence: missense variant.
Genome position (GRCh38, 1-based): chr12:12,149,041, T>C on the plus strand (A>G on the coding strand, the complement: LRP6 is on the minus strand). VCF-style: chr12-12149041-T-C. GRCh37 (hg19) VCF-style: chr12-12301975-T-C.
Other names: c.3107A>G, p.Asn1036Ser (NM_001414244.1, NM_001414245.1, NM_001414246.1 and 4 more transcripts); c.2909A>G, p.Asn970Ser (NM_001414247.1); c.2654A>G, p.Asn885Ser (NM_001414252.1, NM_001414253.1, NM_001414254.1); c.2600A>G, p.Asn867Ser (NM_001414255.1); short protein forms N867S, N970S, N1036S, N885S.
Identifiers: ClinVar variation 2056656 (VCV002056656.5), dbSNP rs143873199, ClinGen allele CA6455325.